The following is an entry in ClinVar:

NM_000784.4(CYP27A1):c.303del (p.Pro102fs)

Gene: CYP27A1 (cytochrome P450 family 27 subfamily A member 1; plus strand). Cytogenetic location: 2q35.
Variant type: Deletion.
Coding change: c.303del on transcript NM_000784.4 (MANE Select); coding-DNA position 303, one base deleted (G; older notation c.303delG).
Protein change: p.Pro102fs; shifts the reading frame from proline 102.
Molecular consequence: frameshift variant.
Genome position (GRCh38, 1-based): chr2:218,809,624, G deleted; the last of 3 consecutive G bases (chr2:218,809,622-218,809,624); deleting any one gives the same sequence. VCF-style (leftmost placement, unchanged base first): chr2-218809621-AG-A. GRCh37 (hg19) VCF-style: chr2-219674344-AG-A.
Other names: short protein forms P102fs.
Identifiers: ClinVar variation 2674707 (VCV002674707.4), dbSNP rs2470223501, ClinGen allele CA2695197126.

ClinVar aggregate classification (germline): Pathogenic. Review status: criteria provided, multiple submitters, no conflicts (2 of 4 stars). 2 submissions from 2 submitters: Pathogenic (2). Last evaluated 2024-01-08.

Conditions:
Cholestanol storage disease (CTX). Also called: CEREBRAL CHOLESTERINOSIS; Cerebrotendinous Xanthomatosis; CTX: Cerebrotendinous xanthomatosis. Identifiers: Orphanet 909, MedGen C0238052, MONDO:0008948, OMIM 213700.

Submissions (2):

Labcorp Genetics (formerly Invitae), Labcorp
Classification: Pathogenic for Cholestanol storage disease. Last evaluated: 2024-01-08. Review status: criteria provided, single submitter. Criteria: Invitae Variant Classification Sherloc (09022015). Collection method: clinical testing. Allele origin: germline.
Comment: This sequence change creates a premature translational stop signal (p.Pro102Leufs*5) in the CYP27A1 gene. It is expected to result in an absent or disrupted protein product. Loss-of-function variants in CYP27A1 are known to be pathogenic (PMID: 9392430, 10775536, 26937392). This variant is not present in population databases (gnomAD no frequency). This premature translational stop signal has been observed in individual(s) with autosomal recessive cerebrotendinous xanthomatosis (PMID: 16372260). Algorithms developed to predict the effect of variants on protein structure and function are not available or were not evaluated for this variant. Experimental studies have shown that this premature translational stop signal affects CYP27A1 function (PMID: 16372260). Algorithms developed to predict the effect of sequence changes on RNA splicing suggest that this variant may create or strengthen a splice site. For these reasons, this variant has been classified as Pathogenic.

Baylor Genetics
Classification: Pathogenic for Cholestanol storage disease. Last evaluated: 2023-10-02. Review status: criteria provided, single submitter. Criteria: ACMG Guidelines, 2015. Collection method: clinical testing. Allele origin: unknown.

Literature cited by the submitters: PubMed 9392430 (cited by Labcorp Genetics (formerly Invitae), Labcorp); PubMed 10775536 (cited by Labcorp Genetics (formerly Invitae), Labcorp); PubMed 26937392 (cited by Labcorp Genetics (formerly Invitae), Labcorp); PubMed 16372260 (cited by Labcorp Genetics (formerly Invitae), Labcorp).